The following is an entry in ClinVar:

ClinVar aggregate classification (germline): Uncertain significance (1 of 4 stars; one submission).

Allele frequency attached by ClinVar (database versions not stated): gnomAD 0.00002; gnomAD exomes 0.00002; ExAC 0.00003.
gnomAD v4.1: 32 of 1,614,124 alleles (0.002%); highest among the groups gnomAD compares: South Asian, 0.032%; no homozygotes.

Submission:

Labcorp Genetics (formerly Invitae), Labcorp
Classification: Uncertain significance. Last evaluated: 2022-11-29. Review status: criteria provided, single submitter. Criteria: Invitae Variant Classification Sherloc (09022015). Collection method: clinical testing. Allele origin: germline.
Comment: Algorithms developed to predict the effect of missense changes on protein structure and function are either unavailable or do not agree on the potential impact of this missense change (SIFT: "Tolerated"; PolyPhen-2: "Possibly Damaging"; Align-GVGD: "Class C0"). In summary, the available evidence is currently insufficient to determine the role of this variant in disease. Therefore, it has been classified as a Variant of Uncertain Significance. This variant has not been reported in the literature in individuals affected with DNAJC17-related conditions. This variant is present in population databases (rs757782859, gnomAD 0.02%). This sequence change replaces leucine, which is neutral and non-polar, with serine, which is neutral and polar, at codon 8 of the DNAJC17 protein (p.Leu8Ser).

NM_018163.3(DNAJC17):c.23T>C (p.Leu8Ser)

Genes: DNAJC17 (DnaJ heat shock protein family (Hsp40) member C17; minus strand), ZFYVE19 (zinc finger FYVE-type containing 19; plus strand), LOC130056871 (ATAC-STARR-seq lymphoblastoid active region 9265; plus strand). Cytogenetic location: 15q15.1.
Variant type: single nucleotide variant.
Coding change: c.23T>C on transcript NM_018163.3 (MANE Select); coding-DNA position 23, T replaced by C.
Protein change: p.Leu8Ser; replaces leucine 8 with serine.
Molecular consequence: missense variant. On other transcripts: 5 prime UTR variant (3), intron variant (1).
Genome position (GRCh38, 1-based): chr15:40,807,424, A>G on the plus strand (T>C on the coding strand, the complement: DNAJC17 is on the minus strand). VCF-style: chr15-40807424-A-G. GRCh37 (hg19) VCF-style: chr15-41099622-A-G.
Other names: c.-166A>G (NM_001077268.2, NM_001258420.2); c.-494A>G (NM_001258421.2); c.125+11A>G (NM_032850.5); short protein forms L8S.
Identifiers: ClinVar variation 1981476 (VCV001981476.4), dbSNP rs757782859, ClinGen allele CA7485376.